The following is an entry in ClinVar:

NM_182919.4(TICAM1):c.292C>T (p.Arg98Cys)

Gene: TICAM1 (TIR domain containing adaptor molecule 1; minus strand). Cytogenetic location: 19p13.3.
Variant type: single nucleotide variant.
Coding change: c.292C>T on transcript NM_182919.4 (MANE Select); coding-DNA position 292, C replaced by T.
Protein change: p.Arg98Cys; replaces arginine 98 with cysteine.
Molecular consequence: missense variant. On other transcripts: intron variant (1).
Genome position (GRCh38, 1-based): chr19:4,818,086, G>A on the plus strand (C>T on the coding strand, the complement: TICAM1 is on the minus strand). VCF-style: chr19-4818086-G-A. GRCh37 (hg19) VCF-style: chr19-4818098-G-A.
Other names: c.250C>T, p.Arg84Cys (NM_001385678.1); c.157C>T, p.Arg53Cys (NM_001385679.1); c.-71-280C>T (NM_001385680.1); short protein forms R53C, R84C, R98C.
Identifiers: ClinVar variation 1005298 (VCV001005298.4), dbSNP rs369953609, ClinGen allele CA9105389.
Genomic context (GRCh38, chr19:4,818,086, plus strand): 5'-AGGCCACGTCCCGCAGCGAGGCGGGGCACAGCTTCTCCTCAGCCAGCAGGTGGTACAAGC[G>A]GGCCACAGCCCAGGACACATCTGGGGGCTCCTCTGGGTCCTCGGTGCTGTCCACGCCAGC-3'
Protein context (NP_891549.1, residues 88-108): EPPDVSWAVA[Arg98Cys]LYHLLAEEKL

ClinVar aggregate classification (germline): Uncertain significance (1 of 4 stars; one submission).

Conditions:
Encephalopathy, acute, infection-induced (herpes-specific), susceptibility to, 6. Also called: Herpes simplex encephalitis, susceptibility to, 4. Identifiers: Orphanet 1930, MedGen C3553869, MONDO:0013921, OMIM 614850.

Allele frequency attached by ClinVar (database versions not stated): gnomAD 0.00001; ExAC 0.00003; ESP Exome Variant Server 0.00008; TOPMed 0.00001.
gnomAD v4.1: 40 of 1,607,418 alleles (0.0025%); highest among the groups gnomAD compares: South Asian, 0.0033%; no homozygotes.

Submission:

Labcorp Genetics (formerly Invitae), Labcorp
Classification: Uncertain significance for Encephalopathy, acute, infection-induced (herpes-specific), susceptibility to, 6. Last evaluated: 2021-10-20. Review status: criteria provided, single submitter. Criteria: Invitae Variant Classification Sherloc (09022015). Collection method: clinical testing. Allele origin: germline.
Comment: This sequence change replaces arginine with cysteine at codon 98 of the TICAM1 protein (p.Arg98Cys). The arginine residue is highly conserved and there is a large physicochemical difference between arginine and cysteine. This variant is present in population databases (rs369953609, ExAC 0.01%). This variant has not been reported in the literature in individuals affected with TICAM1-related conditions. Algorithms developed to predict the effect of missense changes on protein structure and function output the following: SIFT: "Deleterious"; PolyPhen-2: "Benign"; Align-GVGD: "Class C15". The cysteine amino acid residue is found in multiple mammalian species, which suggests that this missense change does not adversely affect protein function. In summary, the available evidence is currently insufficient to determine the role of this variant in disease. Therefore, it has been classified as a Variant of Uncertain Significance.